The following is an entry in ClinVar:

ClinVar aggregate classification (germline): Uncertain significance. Review status: criteria provided, multiple submitters, no conflicts (2 of 4 stars). 2 submissions from 2 submitters: Uncertain significance (2). Last evaluated 2025-07-10.

Allele frequency attached by ClinVar (database versions not stated): gnomAD exomes below 0.00001 and 0.00001; TOPMed below 0.00001; ExAC 0.00001; gnomAD 0.00001; ESP Exome Variant Server 0.00008; 1000 Genomes Project 0.00020; 1000 Genomes Project 30x 0.00031.
gnomAD v4.1: 10 of 1,613,636 alleles (0.00062%); highest among the groups gnomAD compares: Admixed American, 0.0033%; no homozygotes.

Submissions (2):

Labcorp Genetics (formerly Invitae), Labcorp
Classification: Uncertain significance. Last evaluated: 2025-07-10. Review status: criteria provided, single submitter. Criteria: Invitae Variant Classification Sherloc (09022015). Collection method: clinical testing. Allele origin: germline.
Comment: This sequence change replaces glycine, which is neutral and non-polar, with arginine, which is basic and polar, at codon 1745 of the TECTA protein (p.Gly1745Arg). This variant is present in population databases (rs201488025, gnomAD 0.005%). This variant has not been reported in the literature in individuals affected with TECTA-related conditions. ClinVar contains an entry for this variant (Variation ID: 1218713). Invitae Evidence Modeling of protein sequence and biophysical properties (such as structural, functional, and spatial information, amino acid conservation, physicochemical variation, residue mobility, and thermodynamic stability) has been performed for this missense variant. However, the output from this modeling did not meet the statistical confidence thresholds required to predict the impact of this variant on TECTA protein function. In summary, the available evidence is currently insufficient to determine the role of this variant in disease. Therefore, it has been classified as a Variant of Uncertain Significance.

GeneDx
Classification: Uncertain significance. Last evaluated: 2020-02-10. Review status: criteria provided, single submitter. Criteria: GeneDx Variant Classification Process June 2021. Collection method: clinical testing. Allele origin: germline. Affected: yes.
Comment: Not observed at a significant frequency in large population cohorts (Lek et al., 2016); In silico analysis supports that this missense variant has a deleterious effect on protein structure/function; Has not been previously published as pathogenic or benign to our knowledge

NM_005422.4(TECTA):c.5233G>A (p.Gly1745Arg)

Genes: TBCEL-TECTA (TBCEL-TECTA readthrough; plus strand), TECTA (tectorin alpha; plus strand). Cytogenetic location: 11q23.3.
Variant type: single nucleotide variant.
Coding change: c.5233G>A on transcript NM_005422.4 (MANE Select); coding-DNA position 5233, G replaced by A.
Protein change: p.Gly1745Arg; replaces glycine 1745 with arginine.
Molecular consequence: missense variant.
Genome position (GRCh38, 1-based): chr11:121,162,331, G>A. VCF-style: chr11-121162331-G-A. GRCh37 (hg19) VCF-style: chr11-121033040-G-A.
Other names: c.6175G>A, p.Gly2059Arg (NM_001378761.1); short protein forms G1745R, G2059R.
Identifiers: ClinVar variation 1218713 (VCV001218713.4), dbSNP rs201488025, ClinGen allele CA6327679.